The following is an entry in ClinVar:

ClinVar aggregate classification (germline): Uncertain significance. Review status: reviewed by expert panel (3 of 4 stars). 5 submissions from 5 submitters: Uncertain significance (1). 4 of the submissions do not count toward it. Last evaluated 2022-09-22.

Conditions:
Very long chain acyl-CoA dehydrogenase deficiency (ACADVLD). Also called: VLCAD Deficiency; Very Long-Chain Acyl-Coenzyme A Dehydrogenase Deficiency. Identifiers: Orphanet 26793, MedGen C3887523, MONDO:0008723, OMIM 201475.

Allele frequency attached by ClinVar (database versions not stated): gnomAD exomes below 0.00001; TOPMed 0.00001.
gnomAD v4.1: 2 of 1,613,870 alleles (0.00012%); highest among the groups gnomAD compares: African/African-American, 0.0027%; no homozygotes.

Submissions (5):

ClinGen ACADVL Variant Curation Expert Panel, ClinGen
Classification: Uncertain significance for Very long chain acyl-CoA dehydrogenase deficiency. Last evaluated: 2022-09-22. Review status: reviewed by expert panel. Criteria: clingen acadvl acmg specifications v1. Collection method: curation. Allele origin: germline. Inheritance: Autosomal recessive inheritance.
Comment: The c.439C>T (p.Pro147Ser) variant in ACADVL is a missense in exon 6. This variant has been reported once in the literature in a proband with very-long chain acyl-CoA dehydrogenase deficiency, and elevated C14:1 in NBS (PP4, PMID27209629). This variant is absent from population databases gnomAD v2.1.1 (PM2_supporting). The computational predictor REVEL gives a score of 0.88, which is above the threshold of 0.75, evidence that correlates with impact to ACADVL function (PP3). However, there is insufficient experimental or case data identified in the literature for this variant and is therefore classified as a VUS. (ACADVL-specific ACMG/AMP criteria applied: PP4; PM2_supporting; PP3).

Women's Health and Genetics/Laboratory Corporation of America, LabCorp
Classification: Uncertain significance. Last evaluated: 2024-03-06. Review status: criteria provided, single submitter. Criteria: LabCorp Variant Classification Summary - May 2015. Collection method: clinical testing. Allele origin: germline. Not counted in ClinVar's aggregate classification.
Comment: Variant summary: ACADVL c.439C>T (p.Pro147Ser) results in a non-conservative amino acid change located in the Acyl-CoA dehydrogenase/oxidase, N-terminal domain (IPR013786) of the encoded protein sequence. Five of five in-silico tools predict a damaging effect of the variant on protein function. The variant was absent in 251368 control chromosomes (gnomAD). The available data on variant occurrences in the general population are insufficient to allow any conclusion about variant significance. c.439C>T has been reported in the literature in at-least one individual affected with Very Long Chain Acyl-CoA Dehydrogenase Deficiency (example: Pena_2016). These data do not allow any conclusion about variant significance. To our knowledge, no experimental evidence demonstrating an impact on protein function has been reported. The following publication has been ascertained in the context of this evaluation (PMID: 27209629). ClinVar contains an entry for this variant (Variation ID: 557575). Based on the evidence outlined above, the variant was classified as uncertain significance.

Labcorp Genetics (formerly Invitae), Labcorp
Classification: Uncertain significance for Very long chain acyl-CoA dehydrogenase deficiency. Last evaluated: 2021-09-01. Review status: criteria provided, single submitter. Criteria: Invitae Variant Classification Sherloc (09022015). Collection method: clinical testing. Allele origin: germline. Not counted in ClinVar's aggregate classification.
Comment: This sequence change replaces proline with serine at codon 147 of the ACADVL protein (p.Pro147Ser). The proline residue is highly conserved and there is a moderate physicochemical difference between proline and serine. This variant is not present in population databases (ExAC no frequency). This missense change has been observed in individual(s) with clinical features of very long chain acyl-CoA dehydrogenase deficiency (PMID: 27209629). ClinVar contains an entry for this variant (Variation ID: 557575). Advanced modeling of protein sequence and biophysical properties (such as structural, functional, and spatial information, amino acid conservation, physicochemical variation, residue mobility, and thermodynamic stability) performed at Invitae indicates that this missense variant is expected to disrupt ACADVL protein function. In summary, the available evidence is currently insufficient to determine the role of this variant in disease. Therefore, it has been classified as a Variant of Uncertain Significance.

Wong Mito Lab, Molecular and Human Genetics, Baylor College of Medicine
Classification: Uncertain significance for Very long chain acyl-CoA dehydrogenase deficiency. Last evaluated: 2019-11-01. Review status: criteria provided, single submitter. Criteria: ACMG Guidelines, 2015. Collection method: clinical testing. Allele origin: germline. Not counted in ClinVar's aggregate classification.
Comment: The NM_000018.3:c.439C>T (NP_000009.1:p.Pro147Ser) [GRCH38: NC_000017.11:g.7221020C>T] variant in ACADVL gene is interpretated to be Uncertain Significance based on ACMG guidelines (PMID: 25741868). This variant has been reported. This variant meets the following evidence codes reported in the ACMG guidelines: PM1, PP3

Counsyl
Classification: Uncertain significance for Very long chain acyl-CoA dehydrogenase deficiency. Last evaluated: 2018-04-04. Review status: no assertion criteria provided. Collection method: clinical testing. Allele origin: unknown. Not counted in ClinVar's aggregate classification.

Literature cited by the submitters: PubMed 27209629 (cited by Women's Health and Genetics/Laboratory Corporation of America, LabCorp and Labcorp Genetics (formerly Invitae), Labcorp); PubMed 23480858 (cited by Counsyl).

NM_000018.4(ACADVL):c.439C>T (p.Pro147Ser)

Gene: ACADVL (acyl-CoA dehydrogenase very long chain; plus strand). Cytogenetic location: 17p13.1.
Variant type: single nucleotide variant.
Coding change: c.439C>T on transcript NM_000018.4 (MANE Select); coding-DNA position 439, C replaced by T.
Protein change: p.Pro147Ser; replaces proline 147 with serine.
Molecular consequence: missense variant.
Genome position (GRCh38, 1-based): chr17:7,221,020, C>T. VCF-style: chr17-7221020-C-T. GRCh37 (hg19) VCF-style: chr17-7124339-C-T.
Other names: NM_000018.4(ACADVL):c.439C>T; p.Pro147Ser; c.373C>T, p.Pro125Ser (NM_001033859.3); c.508C>T, p.Pro170Ser (NM_001270447.2); c.211C>T, p.Pro71Ser (NM_001270448.2); short protein forms P147S, P125S, P170S, P71S.
Identifiers: ClinVar variation 557575 (VCV000557575.12), dbSNP rs1032857886, ClinGen allele CA287435425.